The following is an entry in ClinVar:

NC_000010.10:g.(?_121411188)_(121432188_?)dup

Gene: BAG3 (BAG cochaperone 3; plus strand). Cytogenetic location: 10q26.11.
Variant type: Duplication.
Identifiers: ClinVar variation 3244901 (VCV003244901.1).

ClinVar aggregate classification (germline): Uncertain significance (1 of 4 stars; one submission).

Conditions:
Myofibrillar myopathy 6. Identifiers: Orphanet 199340, MedGen C2751831, MONDO:0013061, OMIM 612954.
Dilated cardiomyopathy 1HH (CMD1HH). Identifiers: Orphanet 154, MedGen C3151293, MONDO:0013479, OMIM 613881.

Submission:

Labcorp Genetics (formerly Invitae), Labcorp
Classification: Uncertain significance for Dilated cardiomyopathy 1HH; Myofibrillar myopathy 6. Last evaluated: 2024-01-04. Review status: criteria provided, single submitter. Criteria: Invitae Variant Classification Sherloc (09022015). Collection method: clinical testing. Allele origin: unknown.
Comment: This variant results in a copy number gain of the genomic region encompassing exon(s) 1-3 of the BAG3 gene. This region includes the initiator codon of the gene. This copy number gain extends beyond the assayed region for this gene and therefore may encompass additional genes. As the precise location of this event is unknown, it may be in tandem or it may be located elsewhere in the genome. This variant has not been reported in the literature in individuals affected with BAG3-related conditions. Experimental studies and prediction algorithms are not available or were not evaluated, and the functional significance of this variant is currently unknown. In summary, the available evidence is currently insufficient to determine the role of this variant in disease. Therefore, it has been classified as a Variant of Uncertain Significance.